The following is an entry in ClinVar:

ClinVar aggregate classification (germline): Likely pathogenic (1 of 4 stars; one submission).

Conditions:
Osteogenesis imperfecta type 15. Also called: OI, TYPE XV; WNT1-related osteogenesis imperfecta; Osteogenesis imperfecta, type xv. Identifiers: Orphanet 666, MedGen C3808844, MONDO:0014086, OMIM 615220.

Submission:

Laboratorio de Genetica e Diagnostico Molecular, Hospital Israelita Albert Einstein
Classification: Likely pathogenic for Osteogenesis imperfecta type 15. Last evaluated: 2021-07-15. Review status: criteria provided, single submitter. Criteria: ACMG Guidelines, 2015. Collection method: clinical testing. Allele origin: germline. Affected: yes.
Comment: ACMG classification criteria: PVS1 strong, PM2 moderate

NM_005430.4(WNT1):c.860dup (p.His287fs)

Gene: WNT1 (Wnt family member 1; plus strand). Cytogenetic location: 12q13.12.
Variant type: Duplication.
Coding change: c.860dup on transcript NM_005430.4 (MANE Select); coding-DNA position 860, one base duplicated (A; older notation c.860dupA).
Protein change: p.His287fs; shifts the reading frame from histidine 287.
Molecular consequence: frameshift variant.
Genome position (GRCh38, 1-based): chr12:48,981,387, A duplicated. VCF-style (leftmost placement, unchanged base first): chr12-48981386-C-CA. GRCh37 (hg19) VCF-style: chr12-49375169-C-CA.
Other names: short protein forms H287fs.
Identifiers: ClinVar variation 1683629 (VCV001683629.2), dbSNP rs2137625424, ClinGen allele CA2573148647.
Genomic context (GRCh38, chr12:48,981,386, plus strand): 5'-TCGCGGGCGGAGCTGCTGCGCCTGGAGCCGGAAGACCCGGCCCACAAACCGCCCTCCCCC[C>CA]ACGACCTCGTCTACTTCGAGAAATCGCCCAACTTCTGCACGTACAGCGGACGCCTGGGCA-3'